The following is an entry in ClinVar:

ClinVar aggregate classification (germline): Conflicting classifications of pathogenicity. Review status: criteria provided, conflicting classifications (1 of 4 stars). 11 submissions from 11 submitters: Uncertain significance (2); Benign (1); Likely benign (6). 2 of the submissions do not count toward it. Last evaluated 2026-01-28.

Conditions:
KCNH2-related disorder. Also called: KCNH2-related condition; KCNH2-related disorders.
Cardiovascular phenotype. Identifiers: MedGen CN230736.
Cardiac arrhythmia. Also called: Cardiac rhythm disease; Arrhythmia. Identifiers: MedGen C0003811, MONDO:0007263, HP:0011675.
Long QT syndrome (LQTS). Identifiers: MedGen C0023976, MeSH D008133, MONDO:0002442. Disease mechanism: loss of function. Inheritance: Various modes of inheritance.
Long QT syndrome 2 (LQT2). Identifiers: Orphanet 101016, Orphanet 768, MedGen C3150943, MONDO:0013367, OMIM 613688.

Allele frequency attached by ClinVar (database versions not stated): gnomAD 0.00063 and 0.00060; 1000 Genomes Project 30x 0.00078; 1000 Genomes Project 0.00080; gnomAD exomes 0.00042 and 0.00057; TOPMed 0.00043; ExAC 0.00053.

Submissions (11):

Labcorp Genetics (formerly Invitae), Labcorp
Classification: Benign for Long QT syndrome. Last evaluated: 2026-01-28. Review status: criteria provided, single submitter. Criteria: Invitae Variant Classification Sherloc (09022015). Collection method: clinical testing. Allele origin: germline.

CeGaT Center for Human Genetics Tuebingen
Classification: Likely benign. Last evaluated: 2025-09-01. Review status: criteria provided, single submitter. Criteria: CeGaT Center For Human Genetics Tuebingen Variant Classification Criteria Version 2. Collection method: clinical testing. Allele origin: germline. Affected: yes. Observed: 2 variant alleles.
Comment: KCNH2: PP2, BS1

GeneDx
Classification: Uncertain significance. Last evaluated: 2025-01-06. Review status: criteria provided, single submitter. Criteria: GeneDx Variant Classification Process June 2021. Collection method: clinical testing. Allele origin: germline. Affected: yes.
Comment: Reported in multiple unrelated individuals with LQTS (PMID: 19716085, 11334843, 15840476, 16922724, 22949429, 23347029); Functional studies are inconsistent regarding the effect of this variant on channel function (PMID: 16253915, 11334843, 16432067); In silico analysis supports that this missense variant has a deleterious effect on protein structure/function; This variant is associated with the following publications: (PMID: 23303164, 16432067, 17275752, 22949429, 23347029, 11334843, 14760488, 15840476, 16922724, 19841300, 28988457, 31737537, 37614113, 37199999, 19716085, 16720674, 16253915)

Blueprint Genetics
Classification: Likely benign. Last evaluated: 2024-11-08. Review status: criteria provided, single submitter. Criteria: ACMG Guidelines, 2015. Collection method: clinical testing. Allele origin: germline.

Ambry Genetics
Classification: Likely benign for Cardiovascular phenotype. Last evaluated: 2020-05-06. Review status: criteria provided, single submitter. Criteria: Ambry Variant Classification Scheme 2023. Collection method: clinical testing. Allele origin: germline.

Color Diagnostics, LLC DBA Color Health
Classification: Likely benign for Arrhythmia. Last evaluated: 2018-11-07. Review status: criteria provided, single submitter. Criteria: ACMG Guidelines, 2015. Collection method: clinical testing. Allele origin: germline.

Illumina Laboratory Services, Illumina
Classification: Uncertain significance for Long QT syndrome 2. Last evaluated: 2017-04-27. Review status: criteria provided, single submitter. Criteria: ICSL Variant Classification Criteria 13 December 2019. Collection method: clinical testing. Allele origin: germline.
Comment: This variant was observed as part of a predisposition screen in an ostensibly healthy population. A literature search was performed for the gene, cDNA change, and amino acid change (where applicable). Publications were found based on this search. However, the evidence from the literature, in combination with allele frequency data from public databases where available, was not sufficient to rule this variant in or out of causing disease. Therefore, this variant is classified as a variant of unknown significance.

Stanford Center for Inherited Cardiovascular Disease, Stanford University
Classification: Likely benign. Last evaluated: 2016-11-15. Review status: criteria provided, single submitter. Criteria: ACMG Guidelines, 2015. Collection method: provider interpretation. Allele origin: germline.

CSER _CC_NCGL, University of Washington
Classification: Likely benign for Long QT syndrome. Last evaluated: 2015-12-01. Review status: criteria provided, single submitter. Criteria: Amendola et al. (Genome Res. 2015). Collection method: research. Allele origin: germline. Inheritance: Autosomal dominant inheritance. Study: CSER - NEXT Medicine variant annotation.
Comment: .GERP=4.83.ExAC Alt Allele Frequencies=AFR:0.010%,NFE:0.032%,EAS:0.0%,SAS:0.006%,FIN:0.605%,AMR:0.017%,OTH:0.113%.The variant was found in publications with the following PMIDs:11334843;16432067;17275752;22949429;16253915;23303164;23347029;

PreventionGenetics, part of Exact Sciences
Classification: Likely benign for KCNH2-related condition. Last evaluated: 2019-06-19. Review status: no assertion criteria provided. Collection method: clinical testing. Allele origin: germline. Not counted in ClinVar's aggregate classification.
Comment: This variant is classified as likely benign based on ACMG/AMP sequence variant interpretation guidelines (Richards et al. 2015 PMID: 25741868, with internal and published modifications).

Cardiovascular Biomedical Research Unit, Royal Brompton & Harefield NHS Foundation Trust
No classification provided. Review status: no classification provided. Collection method: literature only. Allele origin: germline. Not counted in ClinVar's aggregate classification.
Comment: This variant has been reported in the following publications (PMID:11334843;PMID:14760488;PMID:15840476;PMID:16253915;PMID:16432067;PMID:16720674;PMID:16922724;PMID:17275752;PMID:19716085;PMID:19841300).

Literature cited by the submitters: PubMed 11334843 (cited by 3 submitters); PubMed 14760488 (cited by Ambry Genetics and Cardiovascular Biomedical Research Unit, Royal Brompton & Harefield NHS Foundation Trust); PubMed 15840476 (cited by 3 submitters); PubMed 16253915 (cited by 3 submitters); PubMed 16432067 (cited by 3 submitters); PubMed 16720674 (cited by 3 submitters); PubMed 16922724 (cited by 3 submitters); PubMed 19716085 (cited by 3 submitters); PubMed 19841300 (cited by 3 submitters); PubMed 23303164 (cited by Ambry Genetics); PubMed 17275752 (cited by Illumina Laboratory Services, Illumina and Cardiovascular Biomedical Research Unit, Royal Brompton & Harefield NHS Foundation Trust); PubMed 23098067 (cited by Illumina Laboratory Services, Illumina); PubMed 24217263 (cited by Illumina Laboratory Services, Illumina); PubMed 23347029 (cited by Illumina Laboratory Services, Illumina); PubMed 22581653 (cited by Cardiovascular Biomedical Research Unit, Royal Brompton & Harefield NHS Foundation Trust).

NM_000238.4(KCNH2):c.982C>T (p.Arg328Cys)

Gene: KCNH2 (potassium voltage-gated channel subfamily H member 2; minus strand). Cytogenetic location: 7q36.1.
Variant type: single nucleotide variant.
Coding change: c.982C>T on transcript NM_000238.4 (MANE Select); coding-DNA position 982, C replaced by T.
Protein change: p.Arg328Cys; replaces arginine 328 with cysteine.
Molecular consequence: missense variant.
Genome position (GRCh38, 1-based): chr7:150,957,437, G>A on the plus strand (C>T on the coding strand, the complement: KCNH2 is on the minus strand). VCF-style: chr7-150957437-G-A. GRCh37 (hg19) VCF-style: chr7-150654525-G-A.
Other names: p.R328C:CGC>TGC; c.982C>T (LRG_288t1); c.694C>T, p.Arg232Cys (NM_001406753.1, NM_001406756.1); c.805C>T, p.Arg269Cys (NM_001406755.1); c.682C>T, p.Arg228Cys (NM_001406757.1); c.982C>T, p.Arg328Cys (NM_172056.3); short protein forms R328C, R228C, R269C, R232C.
Identifiers: ClinVar variation 67552 (VCV000067552.54), dbSNP rs199473505, ClinGen allele CA009053.